The following is an entry in ClinVar:

ClinVar aggregate classification (germline): Uncertain significance. Review status: criteria provided, multiple submitters, no conflicts (2 of 4 stars). 3 submissions from 3 submitters: Uncertain significance (3). Last evaluated 2023-12-26.

Conditions:
Inborn genetic diseases. Identifiers: MedGen C0950123, MeSH D030342.
Pierson syndrome. Also called: MICROCORIA-CONGENITAL NEPHROTIC SYNDROME. Identifiers: Orphanet 2670, MedGen C1836876, MONDO:0012184, OMIM 609049.
LAMB2-related infantile-onset nephrotic syndrome. Also called: NEPHROTIC SYNDROME, TYPE 5, WITHOUT OCULAR ABNORMALITIES; NEPHROTIC SYNDROME, TYPE 5, WITH OCULAR ABNORMALITIES; Nephrotic Syndrome, type 5. Identifiers: Orphanet 306507, MedGen C3280113, MONDO:0013621, OMIM 614199.

Allele frequency attached by ClinVar (database versions not stated): gnomAD 0.00005; gnomAD exomes 0.00005; TOPMed 0.00005.

Submissions (3):

Fulgent Genetics
Classification: Uncertain significance for Pierson syndrome; LAMB2-related infantile-onset nephrotic syndrome. Last evaluated: 2023-12-26. Review status: criteria provided, single submitter. Criteria: ACMG Guidelines, 2015. Collection method: clinical testing. Allele origin: germline.

Ambry Genetics
Classification: Uncertain significance for Inborn genetic diseases. Last evaluated: 2023-12-19. Review status: criteria provided, single submitter. Criteria: Ambry Variant Classification Scheme 2023. Collection method: clinical testing. Allele origin: germline.

Labcorp Genetics (formerly Invitae), Labcorp
Classification: Uncertain significance for LAMB2-related infantile-onset nephrotic syndrome; Pierson syndrome. Last evaluated: 2022-03-15. Review status: criteria provided, single submitter. Criteria: Invitae Variant Classification Sherloc (09022015). Collection method: clinical testing. Allele origin: germline.
Comment: This sequence change replaces arginine, which is basic and polar, with histidine, which is basic and polar, at codon 504 of the LAMB2 protein (p.Arg504His). This variant is present in population databases (rs756925281, gnomAD 0.003%). This variant has not been reported in the literature in individuals affected with LAMB2-related conditions. Algorithms developed to predict the effect of missense changes on protein structure and function output the following: SIFT: "Tolerated"; PolyPhen-2: "Benign"; Align-GVGD: "Class C0". The histidine amino acid residue is found in multiple mammalian species, which suggests that this missense change does not adversely affect protein function. In summary, the available evidence is currently insufficient to determine the role of this variant in disease. Therefore, it has been classified as a Variant of Uncertain Significance.

NM_002292.4(LAMB2):c.1511G>A (p.Arg504His)

Gene: LAMB2 (laminin subunit beta 2; minus strand). Cytogenetic location: 3p21.31.
Variant type: single nucleotide variant.
Coding change: c.1511G>A on transcript NM_002292.4 (MANE Select); coding-DNA position 1511, G replaced by A.
Protein change: p.Arg504His; replaces arginine 504 with histidine.
Molecular consequence: missense variant.
Genome position (GRCh38, 1-based): chr3:49,129,611, C>T on the plus strand (G>A on the coding strand, the complement: LAMB2 is on the minus strand). VCF-style: chr3-49129611-C-T. GRCh37 (hg19) VCF-style: chr3-49167044-C-T.
Other names: c.1511G>A (NM_002292.3); short protein forms R504H.
Identifiers: ClinVar variation 1974624 (VCV001974624.4), dbSNP rs756925281, ClinGen allele CA74486484.